The following is an entry in ClinVar:

ClinVar aggregate classification (germline): Pathogenic (1 of 4 stars; one submission).

Submission:

ISCA site 4
Classification: Pathogenic. Last evaluated: 2011-08-12. Review status: criteria provided, single submitter. Criteria: Kaminsky et al. (Genet Med. 2011). Collection method: clinical testing. Allele origin: de novo. Affected: yes. Observed: 1 variant allele.
Comment: Copy number variation identified through the course of routine clinical cytogenomic testing in postnatal populations. Clinical assertions have been curated as described in Kaminsky et al. 2011.

GRCh38/hg38 1q44(chr1:243677224-244923447)x1

Genes: ADSS2 (adenylosuccinate synthase 2; minus strand), AKT3 (AKT serine/threonine kinase 3; minus strand), AKT3-IT1 (AKT3 intronic transcript 1; minus strand), C1orf202 (chromosome 1 open reading frame 202; minus strand), CATSPERE (catsper channel auxiliary subunit epsilon; plus strand) and 41 more. Cytogenetic location: 1q44.
Variant type: copy number loss.
Change: copy number 1 (one copy instead of two) of chr1:243,677,224-244,923,447 (1.25 Mb, GRCh38 coordinates, 1-based), cytogenetic band 1q44.
Identifiers: ClinVar variation 57260 (VCV000057260.1).